The following is an entry in ClinVar:

NM_001382.4(DPAGT1):c.14C>G (p.Ser5Trp)

Genes: DPAGT1 (dolichyl-phosphate N-acetylglucosaminephosphotransferase 1; minus strand), LOC126861360 (BRD4-independent group 4 enhancer GRCh37_chr11:118972216-118973415; plus strand). Cytogenetic location: 11q23.3.
Variant type: single nucleotide variant.
Coding change: c.14C>G on transcript NM_001382.4 (MANE Select); coding-DNA position 14, C replaced by G.
Protein change: p.Ser5Trp; replaces serine 5 with tryptophan.
Molecular consequence: missense variant.
Genome position (GRCh38, 1-based): chr11:119,101,642, G>C on the plus strand (C>G on the coding strand, the complement: DPAGT1 is on the minus strand). VCF-style: chr11-119101642-G-C. GRCh37 (hg19) VCF-style: chr11-118972352-G-C.
Other names: short protein forms S5W.
Identifiers: ClinVar variation 1997947 (VCV001997947.4), dbSNP rs764519878, ClinGen allele CA382917449.
Genomic context (GRCh38, chr11:119,101,642, plus strand): 5'-GTGGCCACAAATCCCAGCAGCGAGACGATCAAATTGATCAGCAGCGGCATGGGCAATTCC[G>C]AGAAGGCCCACATGGTGACCGGTCAGGGGCCCGGCTCCGCCGCCTCTTCAGGTAACGGGC-3'
Protein context (NP_001373.2, residues 1-15): MWAF[Ser5Trp]ELPMPLLINL

ClinVar aggregate classification (germline): Uncertain significance (1 of 4 stars; one submission).

Conditions:
DPAGT1-congenital disorder of glycosylation. Also called: DPAGT1-CDG; CDG Ij; CONGENITAL DISORDER OF GLYCOSYLATION, TYPE Ij. Identifiers: Orphanet 86309, MedGen C2931004, MONDO:0011964, OMIM 608093.
Congenital myasthenic syndrome 13 (CMS13). Also called: Myasthenic syndrome, congenital, 13, with tubular aggregates; Myasthenic syndrome, congenital, with tubular aggregates 2. Identifiers: Orphanet 353327, Orphanet 590, MedGen C3553645, MONDO:0013883, OMIM 614750.

Submission:

Labcorp Genetics (formerly Invitae), Labcorp
Classification: Uncertain significance for Congenital myasthenic syndrome 13; DPAGT1-congenital disorder of glycosylation. Last evaluated: 2022-06-01. Review status: criteria provided, single submitter. Criteria: Invitae Variant Classification Sherloc (09022015). Collection method: clinical testing. Allele origin: germline.
Comment: This sequence change replaces serine, which is neutral and polar, with tryptophan, which is neutral and slightly polar, at codon 5 of the DPAGT1 protein (p.Ser5Trp). In summary, the available evidence is currently insufficient to determine the role of this variant in disease. Therefore, it has been classified as a Variant of Uncertain Significance. Algorithms developed to predict the effect of missense changes on protein structure and function are either unavailable or do not agree on the potential impact of this missense change (SIFT: "Deleterious"; PolyPhen-2: "Benign"; Align-GVGD: "Class C0"). This variant has not been reported in the literature in individuals affected with DPAGT1-related conditions. This variant is not present in population databases (gnomAD no frequency).